The following is an entry in ClinVar:

NM_004984.4(KIF5A):c.566C>G (p.Ser189Ter)

Gene: KIF5A (kinesin family member 5A; plus strand). Cytogenetic location: 12q13.3.
Variant type: single nucleotide variant.
Coding change: c.566C>G on transcript NM_004984.4 (MANE Select); coding-DNA position 566, C replaced by G.
Protein change: p.Ser189Ter; replaces serine 189 with a stop codon.
Molecular consequence: nonsense.
Genome position (GRCh38, 1-based): chr12:57,567,190, C>G. VCF-style: chr12-57567190-C-G. GRCh37 (hg19) VCF-style: chr12-57960973-C-G.
Other names: c.299C>G, p.Ser100Ter (NM_001354705.2); short protein forms S100*, S189*.
Identifiers: ClinVar variation 2505561 (VCV002505561.1), dbSNP rs140144799, ClinGen allele CA385497918.
Genomic context (GRCh38, chr12:57,567,190, plus strand): 5'-GTACTGAACGCTTTGTGTCCAGCCCGGAGGAGATTCTGGATGTGATTGATGAAGGGAAAT[C>G]AAATCGTCATGTGGCTGTCACCAGTGAGTGAGGATACAAGGGGATCTCTCGAGTCTGAGG-3'

ClinVar aggregate classification (germline): Likely pathogenic (1 of 4 stars; one submission).

Conditions:
Hereditary spastic paraplegia 10 (SPG10). Also called: SPASTIC PARAPLEGIA 10, AUTOSOMAL DOMINANT; SPASTIC PARAPLEGIA 10 WITH OR WITHOUT PERIPHERAL NEUROPATHY; SPASTIC PARAPLEGIA 10 WITH PERIPHERAL NEUROPATHY. Identifiers: Orphanet 100991, MedGen C1858712, MONDO:0011408, OMIM 604187.

Submission:

Dr. med. U. Finckh, Human Genetics, Eurofins MVZ
Classification: Likely pathogenic for Hereditary spastic paraplegia 10. Review status: criteria provided, single submitter. Criteria: ACMG Guidelines, 2015. Collection method: clinical testing. Allele origin: unknown. Affected: yes.
Comment: The pathogenic relevance of disruptive variants of KIF5A is debatable (ClinVar lists typical loss-of-function variants as VUS and LP/P with appr. 50% each). However, there is evidence for pathogenic relevance of LOF variants. One nonsense de novo variant is described in a proband with HSP (PMID 26374131) and KIF5A seems to be highly intolerant against LOF variants (pLI, gnomAD).